The following is an entry in ClinVar:

NM_001367561.1(DOCK7):c.-18G>A

Genes: DOCK7 (dedicator of cytokinesis 7; minus strand), LOC129930655 (ATAC-STARR-seq lymphoblastoid silent region 946; plus strand). Cytogenetic location: 1p31.3.
Variant type: single nucleotide variant.
Coding change: c.-18G>A on transcript NM_001367561.1 (MANE Select); 18 bases upstream of the start codon, G replaced by A.
Molecular consequence: 5 prime UTR variant.
Genome position (GRCh38, 1-based): chr1:62,688,282, C>T on the plus strand (G>A on the coding strand, the complement: DOCK7 is on the minus strand). VCF-style: chr1-62688282-C-T. GRCh37 (hg19) VCF-style: chr1-63153953-C-T.
Other names: c.-18G>A (NM_001271999.2, NM_001272000.2, NM_001272001.2 and 3 more transcripts).
Identifiers: ClinVar variation 1296252 (VCV001296252.6), dbSNP rs4344355, ClinGen allele CA887328.

ClinVar aggregate classification (germline): Benign/Likely benign. Review status: criteria provided, multiple submitters, no conflicts (2 of 4 stars). 4 submissions from 4 submitters: Benign (3); Likely benign (1). Last evaluated 2024-11-26.

Allele frequency attached by ClinVar (database versions not stated): 1000 Genomes Project 0.32548; gnomAD 0.32851 and 0.32860; TOPMed 0.33500; gnomAD exomes 0.34331 and 0.40299; ExAC 0.44723.
gnomAD v4.1: 435,257 of 1,275,242 alleles (34%); highest among the groups gnomAD compares: South Asian, 47%; 76,016 homozygotes.

Submissions (4):

Blueprint Genetics
Classification: Likely benign. Last evaluated: 2024-11-26. Review status: criteria provided, single submitter. Criteria: ACMG Guidelines, 2015. Collection method: clinical testing. Allele origin: germline.

Unidad de Genómica Garrahan, Hospital de Pediatría Garrahan
Classification: Benign. Last evaluated: 2024-07-15. Review status: criteria provided, single submitter. Criteria: ACMG Guidelines, 2015. Collection method: clinical testing. Allele origin: germline. Affected: no. Observed: 49 variant alleles.
Comment: This variant is classified as Benign based on local population frequency. This variant was detected in 53% of patients studied in a panel designed for Epileptic and Developmental Encephalopathy and Progressive Myoclonus Epilepsy. Number of patients: 49. Only high quality variants are reported.

GeneDx
Classification: Benign. Last evaluated: 2021-03-14. Review status: criteria provided, single submitter. Criteria: GeneDx Variant Classification Process June 2021. Collection method: clinical testing. Allele origin: germline. Affected: yes.

Breakthrough Genomics
Classification: Benign. Review status: criteria provided, single submitter. Criteria: ACMG Guidelines, 2015. Collection method: not provided. Allele origin: germline. Inheritance: Autosomal recessive inheritance. Affected: yes.